The following is an entry in ClinVar:

NM_004006.3(DMD):c.9634del (p.Glu3212fs)

Gene: DMD (dystrophin; minus strand). Cytogenetic location: Xp21.2.
Variant type: Deletion.
Coding change: c.9634del on transcript NM_004006.3 (MANE Select); coding-DNA position 9634, one base deleted (G; older notation c.9634delG).
Protein change: p.Glu3212fs; shifts the reading frame from glutamic acid 3212.
Molecular consequence: frameshift variant.
Genome position (GRCh38, 1-based): chrX:31,206,597, C deleted on the plus strand (G on the coding strand, the reverse complement: DMD is on the minus strand); the first of 2 consecutive C bases (chrX:31,206,597-31,206,598); deleting either gives the same sequence. VCF-style (leftmost placement, unchanged base first): chrX-31206596-TC-T. GRCh37 (hg19) VCF-style: chrX-31224713-TC-T.
Other names: c.9634del (NM_004006.2); c.9610del, p.Glu3204fs (NM_000109.4); c.9633delG, p.Glu3212Lysfs (NM_004006.2); c.9622del, p.Glu3208fs (NM_004009.3); c.9265del, p.Glu3089fs (NM_004010.3); c.5611del, p.Glu1871fs (NM_004011.4); c.5602del, p.Glu1868fs (NM_004012.4); c.2254del, p.Glu752fs (NM_004013.3, NM_004020.4, NM_004021.3 and 2 more transcripts); and 2 more; short protein forms E3089fs, E3204fs, E3208fs, E752fs, E144fs, E1871fs, E1868fs, E3212fs.
Identifiers: ClinVar variation 2054372 (VCV002054372.7), dbSNP rs2521249957, ClinGen allele CA2580100564.

ClinVar aggregate classification (germline): Pathogenic. Review status: criteria provided, multiple submitters, no conflicts (2 of 4 stars). 2 submissions from 2 submitters: Pathogenic (2). Last evaluated 2023-02-24.

Conditions:
Duchenne muscular dystrophy (DMD). Also called: MUSCULAR DYSTROPHY, PSEUDOHYPERTROPHIC PROGRESSIVE, DUCHENNE TYPE; Duchenne Muscular Dystrophy (DMD). Identifiers: Orphanet 98896, MedGen C0013264, MONDO:0010679, OMIM 310200.

Submissions (2):

Labcorp Genetics (formerly Invitae), Labcorp
Classification: Pathogenic for Duchenne muscular dystrophy. Last evaluated: 2023-02-24. Review status: criteria provided, single submitter. Criteria: Invitae Variant Classification Sherloc (09022015). Collection method: clinical testing. Allele origin: germline.
Comment: This variant has not been reported in the literature in individuals affected with DMD-related conditions. For these reasons, this variant has been classified as Pathogenic. ClinVar contains an entry for this variant (Variation ID: 2054372). This variant is not present in population databases (gnomAD no frequency). This sequence change creates a premature translational stop signal (p.Glu3212Lysfs*71) in the DMD gene. It is expected to result in an absent or disrupted protein product. Loss-of-function variants in DMD are known to be pathogenic (PMID: 16770791, 25007885).

Revvity Omics, Revvity
Classification: Pathogenic. Last evaluated: 2022-12-06. Review status: criteria provided, single submitter. Criteria: ACMG Guidelines, 2015. Collection method: clinical testing. Allele origin: germline.

Literature cited by the submitters: PubMed 16770791 (cited by Labcorp Genetics (formerly Invitae), Labcorp); PubMed 25007885 (cited by Labcorp Genetics (formerly Invitae), Labcorp).